The following is an entry in ClinVar:

ClinVar aggregate classification (germline): Conflicting classifications of pathogenicity. Review status: criteria provided, conflicting classifications (1 of 4 stars). 5 submissions from 5 submitters: Pathogenic (2); Likely pathogenic (2); Uncertain significance (1). Last evaluated 2025-12-12.

Conditions:
Hereditary spherocytosis type 4. Also called: SLC4A1-Related Spherocytosis. Identifiers: Orphanet 822, MedGen C2675212, MONDO:0012981, OMIM 612653.
SLC4A1-related disorder. Also called: SLC4A1-related disorders; SLC4A1-related condition.

Submissions (5):

PreventionGenetics, part of Exact Sciences
Classification: Likely pathogenic for SLC4A1-related condition. Last evaluated: 2025-12-12. Review status: criteria provided, single submitter. Criteria: ACMG Guidelines, 2015. Collection method: clinical testing. Allele origin: germline.
Comment: The SLC4A1 c.2655+2_2655+3delTG variant is predicted to result in a deletion affecting a canonical splice site. This variant was reported in an individual with moderate hereditary spherocytosis (Kima et al. 2021. PubMed ID: 33470548). An alternate variant at this intron/exon boundary (c.2655+1G>A) have also been reported in association with hereditary spherocytosis (Tole et al. 2020. PubMed ID: 32436265). This variant has not been reported in a large population database (gnomAD), indicating this variant is rare. This variant is interpreted as likely pathogenic.

Revvity Omics, Revvity
Classification: Pathogenic. Last evaluated: 2024-11-18. Review status: criteria provided, single submitter. Criteria: ACMG Guidelines, 2015. Collection method: clinical testing. Allele origin: germline.

ARUP Laboratories, Molecular Genetics and Genomics, ARUP Laboratories
Classification: Pathogenic. Last evaluated: 2024-07-10. Review status: criteria provided, single submitter. Criteria: ARUP Molecular Germline Variant Investigation Process 2024. Collection method: clinical testing. Allele origin: germline.
Comment: The SLC4A1 c.2655+2_2655+3del variant (ClinVar Variation ID: 1704365) is reported in the literature in one individual affected with hereditary spherocytosis (Kima 2021). This variant is absent from the Genome Aggregation Database (v2.1.1), indicating it is not a common polymorphism. This variant disrupts the canonical splice donor site of intron 19, which is likely to negatively impact gene function. Additionally, other variants at this splice donor site (c.2655+1G>A, c.2655+1G>C) have been reported in individuals with hereditary spherocytosis and are considered pathogenic (Aggarwal 2020, Tole 2020, Van Zwieten 2013). Based on available information, this variant is considered to be pathogenic. References: Aggarwal A et al. Deciphering molecular heterogeneity of Indian families with hereditary spherocytosis using targeted next-generation sequencing: First South Asian study. Br J Haematol. 2020 Mar. PMID: 31602632. Kima ED et al. A novel SLC4A1 splice variant (c.2655+2_2655+3 del) in hereditary spherocytosis. Int J Lab Hematol. 2021 Oct. PMID: 33470548. Tole S et al. Genotype-phenotype correlation in children with hereditary spherocytosis. Br J Haematol. 2020 Nov. PMID: 32436265. Van Zwieten R et al. Hereditary spherocytosis due to band 3 deficiency: 15 novel mutations in SLC4A1. Am J Hematol. 2013 Feb. PMID: 23255290

Johns Hopkins Genomics, Johns Hopkins University
Classification: Uncertain significance for Hereditary spherocytosis type 4. Last evaluated: 2022-05-16. Review status: criteria provided, single submitter. Criteria: ACMG Guidelines, 2015. Collection method: clinical testing. Allele origin: germline.
Comment: This SLC4A1 variant is absent from a large population dataset. Bioinformatic analysis predicts that this 2-bp intronic deletion would affect the splice donor site of exon 19, although this has not been confirmed experimentally to our knowledge. This variant has been reported in the literature for a single individual with hereditary spherocytosis, but functional studies were not available to access any impact on mRNA splicing. Due to insufficient evidence that this variant is deleterious, we consider the clinical significance of c.2655+2_2655+3del to be uncertain at this time

Mayo Clinic Laboratories, Mayo Clinic
Classification: Likely pathogenic. Last evaluated: 2021-09-21. Review status: criteria provided, single submitter. Criteria: ACMG Guidelines, 2015. Collection method: clinical testing. Allele origin: germline.
Comment: PM2, PVS1

Literature cited by the submitters: PubMed 32436265 (cited by Johns Hopkins Genomics, Johns Hopkins University); PubMed 33470548 (cited by Johns Hopkins Genomics, Johns Hopkins University and Mayo Clinic Laboratories, Mayo Clinic).

NM_000342.4(SLC4A1):c.2655+2_2655+3del

Gene: SLC4A1 (solute carrier family 4 member 1 (Diego blood group); minus strand). Cytogenetic location: 17q21.31.
Variant type: Microsatellite.
Coding change: c.2655+2_2655+3del on transcript NM_000342.4 (MANE Select); the canonical splice donor site of the intron after coding-DNA position 2655 through 3 bases into the intron after coding-DNA position 2655, 2 bases deleted (TG; older notation c.2655+2_2655+3delTG).
Molecular consequence: splice donor variant.
Genome position (GRCh38, 1-based): chr17:44,251,156-44,251,157, CA deleted on the plus strand (TG on the coding strand, the reverse complement: SLC4A1 is on the minus strand); deleting any 2 consecutive bases within chr17:44,251,156-44,251,162 gives the same sequence; the c. name uses the placement nearest the transcript's 3' end. VCF-style (leftmost placement, unchanged base first): chr17-44251155-TCA-T. GRCh37 (hg19) VCF-style: chr17-42328523-TCA-T.
Other names: c.2655+2_2655+3delTG (NM_000342.3).
Identifiers: ClinVar variation 1704365 (VCV001704365.9), ClinGen allele CA2580613147.